The following is an entry in ClinVar:

NM_003482.4(KMT2D):c.10231+5C>A

Gene: KMT2D (lysine methyltransferase 2D; minus strand). Cytogenetic location: 12q13.12.
Variant type: single nucleotide variant.
Coding change: c.10231+5C>A on transcript NM_003482.4 (MANE Select); 5 bases into the intron after coding-DNA position 10231, C replaced by A.
Molecular consequence: intron variant.
Genome position (GRCh38, 1-based): chr12:49,037,120, G>T on the plus strand (C>A on the coding strand, the complement: KMT2D is on the minus strand). VCF-style: chr12-49037120-G-T. GRCh37 (hg19) VCF-style: chr12-49430903-G-T.
Identifiers: ClinVar variation 4709128 (VCV004709128.1).

ClinVar aggregate classification (germline): Uncertain significance (1 of 4 stars; one submission).

Conditions:
Kabuki syndrome. Also called: NIIKAWA-KUROKI SYNDROME; Kabuki make-up syndrome. Identifiers: Orphanet 2322, MedGen C0796004, MONDO:0016512.

gnomAD v4.1: 4 of 1,560,548 alleles (0.00026%); highest among the groups gnomAD compares: Non-Finnish European, 0.00035%; no homozygotes.

Submission:

Labcorp Genetics (formerly Invitae), Labcorp
Classification: Uncertain significance for Kabuki syndrome. Last evaluated: 2025-12-15. Review status: criteria provided, single submitter. Criteria: Invitae Variant Classification Sherloc (09022015). Collection method: clinical testing. Allele origin: germline.
Comment: This sequence change falls in intron 34 of the KMT2D gene. It does not directly change the encoded amino acid sequence of the KMT2D protein. It affects a nucleotide within the consensus splice site. This variant is not present in population databases (gnomAD no frequency). This variant has not been reported in the literature in individuals affected with KMT2D-related conditions. Variants that disrupt the consensus splice site are a relatively common cause of aberrant splicing (PMID: 17576681, 9536098). Algorithms developed to predict the effect of sequence changes on RNA splicing suggest that this variant is not likely to affect RNA splicing. In summary, the available evidence is currently insufficient to determine the role of this variant in disease. Therefore, it has been classified as a Variant of Uncertain Significance.

Literature cited by the submitters: PubMed 17576681; PubMed 9536098.